The following is an entry in ClinVar:

ClinVar aggregate classification (germline): Uncertain significance. Review status: criteria provided, multiple submitters, no conflicts (2 of 4 stars). 2 submissions from 2 submitters: Uncertain significance (2). Last evaluated 2022-11-07.

Conditions:
Hereditary cancer-predisposing syndrome. Also called: Tumor predisposition; Hereditary neoplastic syndrome; Neoplastic Syndromes, Hereditary; Hereditary Cancer Syndrome. Identifiers: Orphanet 140162, MedGen C0027672, MeSH D009386, MONDO:0015356.
Familial melanoma. Also called: Hereditary melanoma; Hereditary cutaneous melanoma. Identifiers: Orphanet 618, MedGen C1512419, MONDO:0018961.

Allele frequency attached by ClinVar (database versions not stated): gnomAD exomes below 0.00001; ExAC 0.00002.
gnomAD v4.1: 2 of 1,614,184 alleles (0.00012%); highest among the groups gnomAD compares: East Asian, 0.0045%; no homozygotes.

Submissions (2):

Ambry Genetics
Classification: Uncertain significance for Hereditary cancer-predisposing syndrome. Last evaluated: 2022-11-07. Review status: criteria provided, single submitter. Criteria: Ambry Variant Classification Scheme 2023. Collection method: clinical testing. Allele origin: germline.
Comment: The p.V242A variant (also known as c.725T>C), located in coding exon 6 of the CDK4 gene, results from a T to C substitution at nucleotide position 725. The valine at codon 242 is replaced by alanine, an amino acid with similar properties. This amino acid position is conserved. In addition, the in silico prediction for this alteration is inconclusive. Since supporting evidence is limited at this time, the clinical significance of this alteration remains unclear.

Labcorp Genetics (formerly Invitae), Labcorp
Classification: Uncertain significance for Familial melanoma. Last evaluated: 2021-05-18. Review status: criteria provided, single submitter. Criteria: Invitae Variant Classification Sherloc (09022015). Collection method: clinical testing. Allele origin: germline.
Comment: This variant is present in population databases (rs747362286, ExAC 0.02%). This sequence change replaces valine with alanine at codon 242 of the CDK4 protein (p.Val242Ala). The valine residue is highly conserved and there is a small physicochemical difference between valine and alanine. In summary, the available evidence is currently insufficient to determine the role of this variant in disease. Therefore, it has been classified as a Variant of Uncertain Significance. Advanced modeling of protein sequence and biophysical properties (such as structural, functional, and spatial information, amino acid conservation, physicochemical variation, residue mobility, and thermodynamic stability) performed at Invitae indicates that this missense variant is not expected to disrupt CDK4 protein function. This variant has not been reported in the literature in individuals with CDK4-related conditions.

NM_000075.4(CDK4):c.725T>C (p.Val242Ala)

Genes: TSPAN31 (tetraspanin 31; plus strand), CDK4 (cyclin dependent kinase 4; minus strand). Cytogenetic location: 12q14.1.
Variant type: single nucleotide variant.
Coding change: c.725T>C on transcript NM_000075.4 (MANE Select); coding-DNA position 725, T replaced by C.
Protein change: p.Val242Ala; replaces valine 242 with alanine.
Molecular consequence: missense variant. On other transcripts: 3 prime UTR variant (3).
Genome position (GRCh38, 1-based): chr12:57,749,276, A>G on the plus strand (T>C on the coding strand, the complement: CDK4 is on the minus strand). VCF-style: chr12-57749276-A-G. GRCh37 (hg19) VCF-style: chr12-58143059-A-G.
Other names: c.*1986A>G (NM_001330168.2, NM_001330169.2, NM_005981.5); short protein forms V242A.
Identifiers: ClinVar variation 1428400 (VCV001428400.9), dbSNP rs747362286, ClinGen allele CA6657696.